The following is an entry in ClinVar:

ClinVar aggregate classification (germline): Benign. Review status: criteria provided, multiple submitters, no conflicts (2 of 4 stars). 11 submissions from 11 submitters: Benign (9). 2 of the submissions do not count toward it. Last evaluated 2026-02-04.

Conditions:
Abetalipoproteinaemia (ABL). Also called: Abetalipoproteinemia; Abetalipoproteinemia neuropathy; Apolipoprotein B deficiency; Congenital betalipoprotein deficiency syndrome; MTP DEFICIENCY. Identifiers: Orphanet 14, MedGen C0000744, MONDO:0008692, OMIM 200100, HP:0008181.

Allele frequency attached by ClinVar (database versions not stated): gnomAD 0.47153 and 0.47516; ESP Exome Variant Server 0.49270; TOPMed 0.49594; 1000 Genomes Project 30x 0.54357; 1000 Genomes Project 0.54433.
gnomAD v4.1: 617,277 of 1,603,712 alleles (38%); highest among the groups gnomAD compares: African/African-American, 77%; 129,972 homozygotes.

Submissions (11):

Labcorp Genetics (formerly Invitae), Labcorp
Classification: Benign. Last evaluated: 2026-02-04. Review status: criteria provided, single submitter. Criteria: Invitae Variant Classification Sherloc (09022015). Collection method: clinical testing. Allele origin: germline.

Blueprint Genetics
Classification: Benign. Last evaluated: 2024-11-27. Review status: criteria provided, single submitter. Criteria: ACMG Guidelines, 2015. Collection method: clinical testing. Allele origin: germline.

Mayo Clinic Laboratories, Mayo Clinic
Classification: Benign. Last evaluated: 2022-04-26. Review status: criteria provided, single submitter. Criteria: ACMG Guidelines, 2015. Collection method: clinical testing. Allele origin: germline. Observed: 1,061 variant alleles.

Genome-Nilou Lab
Classification: Benign for Abetalipoproteinaemia. Last evaluated: 2021-09-05. Review status: criteria provided, single submitter. Criteria: ACMG Guidelines, 2015. Collection method: clinical testing. Allele origin: germline. Affected: no.

Women's Health and Genetics/Laboratory Corporation of America, LabCorp
Classification: Benign. Last evaluated: 2019-09-19. Review status: criteria provided, single submitter. Criteria: LabCorp Variant Classification Summary - May 2015. Collection method: clinical testing. Allele origin: germline.

GeneDx
Classification: Benign. Last evaluated: 2018-09-21. Review status: criteria provided, single submitter. Criteria: GeneDx Variant Classification Process June 2021. Collection method: clinical testing. Allele origin: germline. Affected: yes.

Illumina Laboratory Services, Illumina
Classification: Benign for Abetalipoproteinaemia. Last evaluated: 2018-01-13. Review status: criteria provided, single submitter. Criteria: ICSL Variant Classification Criteria 13 December 2019. Collection method: clinical testing. Allele origin: germline.
Comment: This variant was observed in the ICSL laboratory as part of a predisposition screen in an ostensibly healthy population. It had not been previously curated by ICSL or reported in the Human Gene Mutation Database (HGMD: prior to June 1st, 2018), and was therefore a candidate for classification through an automated scoring system. Utilizing variant allele frequency, disease prevalence and penetrance estimates, and inheritance mode, an automated score was calculated to assess if this variant is too frequent to cause the disease. Based on the score and internal cut-off values, a variant classified as benign is not then subjected to further curation. The score for this variant resulted in a classification of benign for this disease.

Eurofins Ntd Llc (ga)
Classification: Benign. Last evaluated: 2014-08-25. Review status: criteria provided, single submitter. Criteria: EGL Classification Definitions 2015. Collection method: clinical testing. Allele origin: germline. Observed: 1 variant allele, 1 homozygote.

Breakthrough Genomics
Classification: Benign. Review status: criteria provided, single submitter. Criteria: ACMG Guidelines, 2015. Collection method: not provided. Allele origin: germline. Inheritance: Autosomal recessive inheritance. Affected: yes.

Natera, Inc.
Classification: Benign for Abetalipoproteinemia. Last evaluated: 2019-11-19. Review status: no assertion criteria provided. Collection method: clinical testing. Allele origin: germline. Not counted in ClinVar's aggregate classification.

Genetic Services Laboratory, University of Chicago
Classification: Likely benign for AllHighlyPenetrant. Review status: no assertion criteria provided. Collection method: clinical testing. Allele origin: germline. Not counted in ClinVar's aggregate classification.
Comment: Likely benign based on allele frequency in 1000 Genomes Project or ESP global frequency and its presence in a patient with a rare or unrelated disease phenotype. NOT Sanger confirmed.

NM_001386140.1(MTTP):c.453T>C (p.Gly151=)

Gene: MTTP (microsomal triglyceride transfer protein; plus strand). Cytogenetic location: 4q23.
Variant type: single nucleotide variant.
Coding change: c.453T>C on transcript NM_001386140.1 (MANE Select); coding-DNA position 453, T replaced by C.
Protein change: p.Gly151=; no amino-acid change (glycine 151 retained).
Molecular consequence: synonymous variant.
Genome position (GRCh38, 1-based): chr4:99,589,702, T>C. VCF-style: chr4-99589702-T-C. GRCh37 (hg19) VCF-style: chr4-100510859-T-C.
Other names: p.Gly151=; c.453T>C, p.Gly151= (NM_000253.4); c.204T>C, p.Gly68= (NM_001300785.2).
Identifiers: ClinVar variation 129625 (VCV000129625.29), dbSNP rs991811, ClinGen allele CA153725.